The following is an entry in ClinVar:

NM_019032.6(ADAMTSL4):c.1750A>T (p.Met584Leu)

Genes: ADAMTSL4 (ADAMTS like 4; plus strand), ADAMTSL4-AS2 (ADAMTSL4 antisense RNA 2; minus strand). Cytogenetic location: 1q21.2.
Variant type: single nucleotide variant.
Coding change: c.1750A>T on transcript NM_019032.6 (MANE Select); coding-DNA position 1750, A replaced by T.
Protein change: p.Met584Leu; replaces methionine 584 with leucine.
Molecular consequence: missense variant.
Genome position (GRCh38, 1-based): chr1:150,556,939, A>T. VCF-style: chr1-150556939-A-T. GRCh37 (hg19) VCF-style: chr1-150529415-A-T.
Other names: c.1819A>T, p.Met607Leu (NM_001288607.2, NM_001288608.2); c.1750A>T, p.Met584Leu (NM_001378596.1, NM_025008.5); short protein forms M584L, M607L.
Identifiers: ClinVar variation 1347523 (VCV001347523.6), dbSNP rs2101631413, ClinGen allele CA342313161.

ClinVar aggregate classification (germline): Uncertain significance (1 of 4 stars; one submission).

Submission:

Labcorp Genetics (formerly Invitae), Labcorp
Classification: Uncertain significance. Last evaluated: 2021-11-05. Review status: criteria provided, single submitter. Criteria: Invitae Variant Classification Sherloc (09022015). Collection method: clinical testing. Allele origin: germline.
Comment: This sequence change replaces methionine, which is neutral and non-polar, with leucine, which is neutral and non-polar, at codon 584 of the ADAMTSL4 protein (p.Met584Leu). This variant is not present in population databases (gnomAD no frequency). This variant has not been reported in the literature in individuals affected with ADAMTSL4-related conditions. Algorithms developed to predict the effect of missense changes on protein structure and function (SIFT, PolyPhen-2, Align-GVGD) all suggest that this variant is likely to be tolerated. In summary, the available evidence is currently insufficient to determine the role of this variant in disease. Therefore, it has been classified as a Variant of Uncertain Significance.